The following is an entry in ClinVar:

ClinVar aggregate classification (germline): Uncertain significance (1 of 4 stars; one submission).

gnomAD v4.1: 1 of 1,612,896 alleles (0.000062%); no homozygotes.

Submission:

Labcorp Genetics (formerly Invitae), Labcorp
Classification: Uncertain significance. Last evaluated: 2025-03-18. Review status: criteria provided, single submitter. Criteria: Invitae Variant Classification Sherloc (09022015). Collection method: clinical testing. Allele origin: germline.
Comment: This sequence change replaces valine, which is neutral and non-polar, with isoleucine, which is neutral and non-polar, at codon 92 of the LYN protein (p.Val92Ile). This variant is not present in population databases (gnomAD no frequency). This variant has not been reported in the literature in individuals affected with LYN-related conditions. ClinVar contains an entry for this variant (Variation ID: 1718035). An algorithm developed to predict the effect of missense changes on protein structure and function (PolyPhen-2) suggests that this variant is likely to be tolerated. In summary, the available evidence is currently insufficient to determine the role of this variant in disease. Therefore, it has been classified as a Variant of Uncertain Significance.

NM_002350.4(LYN):c.274G>A (p.Val92Ile)

Gene: LYN (LYN proto-oncogene, Src family tyrosine kinase; plus strand). Cytogenetic location: 8q12.1.
Variant type: single nucleotide variant.
Coding change: c.274G>A on transcript NM_002350.4 (MANE Select); coding-DNA position 274, G replaced by A.
Protein change: p.Val92Ile; replaces valine 92 with isoleucine.
Molecular consequence: missense variant.
Genome position (GRCh38, 1-based): chr8:55,947,713, G>A. VCF-style: chr8-55947713-G-A. GRCh37 (hg19) VCF-style: chr8-56860272-G-A.
Other names: c.211G>A, p.Val71Ile (NM_001111097.3); short protein forms V71I, V92I.
Identifiers: ClinVar variation 1718035 (VCV001718035.5), dbSNP rs2487506210, ClinGen allele CA371279337.
Genomic context (GRCh38, chr8:55,947,713, plus strand): 5'-TACCCCTATGATGGCATCCACCCGGACGACTTGTCTTTCAAGAAAGGAGAGAAGATGAAA[G>A]TCCTGGAGGAGTAAGTGCTCTCAAGCACGCCACGGCTGCTCGTTTCCTCAGGCCACTGAG-3'
Protein context (NP_002341.1, residues 82-102): LSFKKGEKMK[Val92Ile]LEEHGEWWKA